The following is an entry in ClinVar:

ClinVar aggregate classification (germline): Conflicting classifications of pathogenicity. Review status: criteria provided, conflicting classifications (1 of 4 stars). 4 submissions from 4 submitters: Uncertain significance (1); Likely benign (3). Last evaluated 2025-07-07.

Conditions:
Hereditary cancer-predisposing syndrome. Also called: Tumor predisposition; Hereditary neoplastic syndrome; Hereditary Cancer Syndrome; Neoplastic Syndromes, Hereditary. Identifiers: Orphanet 140162, MedGen C0027672, MeSH D009386, MONDO:0015356.
Hereditary breast ovarian cancer syndrome. Also called: Hereditary breast and ovarian cancer; Hereditary breast and ovarian cancer syndrome; Breast and ovarian cancer; Hereditary breast and ovarian cancer syndrome (HBOC); Hereditary breast and/or ovarian cancer syndrome; BRCA1- and BRCA2-Associated Hereditary Breast and Ovarian Cancer. Identifiers: Orphanet 145, MedGen C0677776, MeSH D061325, MONDO:0003582. Disease mechanism: loss of function.

Allele frequency attached by ClinVar (database versions not stated): gnomAD exomes below 0.00001.
gnomAD v4.1: 1 of 1,498,532 alleles (0.000067%); highest among the groups gnomAD compares: East Asian, 0.0023%; no homozygotes.

Submissions (4):

Labcorp Genetics (formerly Invitae), Labcorp
Classification: Likely benign for Hereditary breast ovarian cancer syndrome. Last evaluated: 2025-07-07. Review status: criteria provided, single submitter. Criteria: Invitae Variant Classification Sherloc (09022015). Collection method: clinical testing. Allele origin: germline.

Ambry Genetics
Classification: Uncertain significance for Hereditary cancer-predisposing syndrome. Last evaluated: 2021-06-23. Review status: criteria provided, single submitter. Criteria: Ambry Variant Classification Scheme 2023. Collection method: clinical testing. Allele origin: germline.
Comment: The c.317-17T>A intronic alteration consists of a T to A substitution 17 nucleotides before coding exon 3 in the BRCA2 gene. Based on insufficient or conflicting evidence, the clinical significance of this alteration remains unclear.

Women's Health and Genetics/Laboratory Corporation of America, LabCorp
Classification: Likely benign. Last evaluated: 2020-12-18. Review status: criteria provided, single submitter. Criteria: LabCorp Variant Classification Summary - May 2015. Collection method: clinical testing. Allele origin: germline.
Comment: Variant summary: BRCA2 c.317-17T>A alters a non-conserved nucleotide located close to a canonical splice site and therefore could affect mRNA splicing, leading to a significantly altered protein sequence. 4/4 computational tools predict no significant impact on normal splicing. However, these predictions have yet to be confirmed by functional studies. The variant was absent in 249098 control chromosomes. The available data on variant occurrences in the general population are insufficient to allow any conclusion about variant significance. To our knowledge, no occurrence of c.317-17T>A in individuals affected with Hereditary Breast And Ovarian Cancer Syndrome and no experimental evidence demonstrating its impact on protein function have been reported. Two clinical diagnostic laboratories have submitted clinical-significance assessments for this variant to ClinVar after 2014 without evidence for independent evaluation. All laboratories classified the variant as likely benign. Based on the evidence outlined above, and to reflect the emerging consensus, the variant was classified as likely benign.

Color Diagnostics, LLC DBA Color Health
Classification: Likely benign for Hereditary cancer-predisposing syndrome. Last evaluated: 2019-05-01. Review status: criteria provided, single submitter. Criteria: ACMG Guidelines, 2015. Collection method: clinical testing. Allele origin: germline.

NM_000059.4(BRCA2):c.317-17T>A

Gene: BRCA2 (BRCA2 DNA repair associated; plus strand). Cytogenetic location: 13q13.1.
Variant type: single nucleotide variant.
Coding change: c.317-17T>A on transcript NM_000059.4 (MANE Select); 17 bases into the intron before coding-DNA position 317, T replaced by A.
Molecular consequence: intron variant.
Genome position (GRCh38, 1-based): chr13:32,325,059, T>A. VCF-style: chr13-32325059-T-A. GRCh37 (hg19) VCF-style: chr13-32899196-T-A.
Identifiers: ClinVar variation 792209 (VCV000792209.15), dbSNP rs1593885822, ClinGen allele CA913188535.
Genomic context (GRCh38, chr13:32,325,059, plus strand): 5'-TTTTTAAACACTTCCAAAGAATGCAAATTTATAATCCAGAGTATATACATTCTCACTGAA[T>A]TATTGTACTGTTTCAGGAAGGAATGTTCCCAATAGTAGACATAAAAGTCTTCGCACAGTG-3'